The following is an entry in ClinVar:

ClinVar aggregate classification (germline): Pathogenic/Likely pathogenic. Review status: criteria provided, multiple submitters, no conflicts (2 of 4 stars). 4 submissions from 4 submitters: Pathogenic (1); Likely pathogenic (2). 1 of the submissions does not count toward it. Last evaluated 2026-01-19.

Conditions:
Endometrial carcinoma. Also called: Endometrial carcinoma, somatic. Identifiers: MedGen C0476089, MONDO:0002447, OMIM 608089, HP:0012114.
Hereditary cancer-predisposing syndrome. Also called: Tumor predisposition; Hereditary Cancer Syndrome; Hereditary neoplastic syndrome; Neoplastic Syndromes, Hereditary. Identifiers: Orphanet 140162, MedGen C0027672, MeSH D009386, MONDO:0015356.
Lynch syndrome 5 (LYNCH5). Also called: Hereditary non-polyposis colorectal cancer, type 5; Colorectal cancer, hereditary nonpolyposis, type 5. Identifiers: Orphanet 144, MedGen C1833477, MONDO:0013710, OMIM 614350. Disease mechanism: loss of function.
Hereditary nonpolyposis colorectal neoplasms. Identifiers: MedGen C0009405, MeSH D003123.

Submissions (4):

Labcorp Genetics (formerly Invitae), Labcorp
Classification: Likely pathogenic for Hereditary nonpolyposis colorectal neoplasms. Last evaluated: 2026-01-19. Review status: criteria provided, single submitter. Criteria: Invitae Variant Classification Sherloc (09022015). Collection method: clinical testing. Allele origin: germline.
Comment: This sequence change replaces glycine, which is neutral and non-polar, with serine, which is neutral and polar, at codon 153 of the MSH6 protein (p.Gly153Ser). RNA analysis indicates that this missense change induces altered splicing and may result in an absent or altered protein product. This variant is not present in population databases (gnomAD no frequency). This missense change has been observed in individuals with clinical features of Lynch syndrome (internal data). ClinVar contains an entry for this variant (Variation ID: 410411). An algorithm developed to predict the effect of missense changes on protein structure and function (PolyPhen-2) suggests that this variant is likely to be disruptive. Variants that disrupt the consensus splice site are a relatively common cause of aberrant splicing (PMID: 17576681, 9536098). Studies have shown that this missense change results in skipping of exon 2, and produces a non-functional protein and/or introduces a premature termination codon (internal data). In summary, the currently available evidence indicates that the variant is pathogenic, but additional data are needed to prove that conclusively. Therefore, this variant has been classified as Likely Pathogenic.

Ambry Genetics
Classification: Pathogenic for Hereditary cancer-predisposing syndrome. Last evaluated: 2025-02-13. Review status: criteria provided, single submitter. Criteria: Ambry Variant Classification Scheme 2023. Collection method: clinical testing. Allele origin: germline.
Comment: The p.G153S pathogenic mutation (also known as c.457G>A), located in coding exon 2 of the MSH6 gene, results from a G to A substitution at nucleotide position 457. The amino acid change results in glycine to serine at codon 153, an amino acid with similar properties. However, this change occurs in the last base pair of coding exon 2, which makes it likely to have some effect on normal mRNA splicing. This variant has been identified in probands with Lynch syndrome-associated tumors that demonstrated high microsatellite instability and loss of MSH6 expression by immunohistochemistry (Ambry internal data). This nucleotide position is highly conserved in available vertebrate species. In silico splice site analysis for this alteration is inconclusive. RNA studies have demonstrated that this alteration results in abnormal splicing in the set of samples tested (Ambry internal data). This amino acid position is highly conserved in available vertebrate species. In addition, the in silico prediction for this alteration is inconclusive. Based on the majority of available evidence to date, this variant is interpreted as a disease-causing mutation.

Myriad Genetics, Inc.
Classification: Likely pathogenic for Lynch syndrome 5. Last evaluated: 2024-09-09. Review status: criteria provided, single submitter. Criteria: Myriad Autosomal Dominant, Autosomal Recessive and X-Linked Classification Criteria (2023). Collection method: clinical testing. Allele origin: unknown.
Comment: This variant is considered likely pathogenic. mRNA analysis has demonstrated abnormal mRNA splicing occurs [Myriad internal data].

Department of Pathology and Laboratory Medicine, Sinai Health System
Classification: Uncertain significance for Endometrial carcinoma. Review status: no assertion criteria provided. Collection method: clinical testing. Allele origin: unknown. Affected: yes. Study: The Canadian Open Genetics Repository (COGR). Not counted in ClinVar's aggregate classification.
Comment: The MSH6 p.Gly153Ser variant was not identified in the literature nor was it identified in the dbSNP, GeneInsight-COGR, Cosmic, MutDB, UMD-LSDB, Zhejiang Colon Cancer Database, Mismatch Repair Genes Variant Database, Insight Hereditary Tumors Database, databases. The variant was identified in ClinVar (1x as uncertain significance by Invitae), Clinvitae (1x as uncertain significance by Invitae), databases. The variant was not identified in the following control databases: the 1000 Genomes Project, the NHLBI GO Exome Sequencing Project, the Exome Aggregation Consortium (August 8th 2016), or the Genome Aggregation Database (Feb 27, 2017). The p.Gly153 residue is conserved in mammals and computational analyses (PolyPhen-2, SIFT, AlignGVGD, BLOSUM, MutationTaster) provide inconsistent predictions regarding the impact to the protein; this information is not very predictive of pathogenicity. The p.Gly153Ser variant occurs in the last three bases of the exon. This position has been shown to be part of the splicing consensus sequence and variants involving this position sometimes affect splicing. However, in silico or computational prediction software programs (SpliceSiteFinder, MaxEntScan, NNSPLICE, GeneSplicer, HumanSpliceFinder) do not predict a difference in splicing. In summary, based on the above information the clinical significance of this variant cannot be determined with certainty at this time. This variant is classified as a variant of uncertain significance.

Literature cited by the submitters: PubMed 17576681 (cited by Labcorp Genetics (formerly Invitae), Labcorp); PubMed 9536098 (cited by Labcorp Genetics (formerly Invitae), Labcorp).

NM_000179.3(MSH6):c.457G>A (p.Gly153Ser)

Gene: MSH6 (mutS homolog 6; plus strand). Cytogenetic location: 2p16.3.
Variant type: single nucleotide variant.
Coding change: c.457G>A on transcript NM_000179.3 (MANE Select); coding-DNA position 457, G replaced by A.
Protein change: p.Gly153Ser; replaces glycine 153 with serine.
Molecular consequence: missense variant. On other transcripts: 5 prime UTR variant (2), intron variant (1).
Genome position (GRCh38, 1-based): chr2:47,791,123, G>A. VCF-style: chr2-47791123-G-A. GRCh37 (hg19) VCF-style: chr2-48018262-G-A.
Other names: c.-280G>A (NM_001281493.2); c.-446G>A (NM_001281494.2); c.238-7488G>A (NM_001281492.2); short protein forms G153S.
Identifiers: ClinVar variation 410411 (VCV000410411.15), dbSNP rs1060502885, ClinGen allele CA16610857.